The following is an entry in ClinVar:

ClinVar aggregate classification (germline): Uncertain significance (1 of 4 stars; one submission).

Conditions:
Neuronopathy, distal hereditary motor, autosomal recessive 5. Also called: NEUROPATHY, DISTAL HEREDITARY MOTOR, AUTOSOMAL RECESSIVE 5; Spinal muscular atrophy, distal, autosomal recessive, 5; Young adult-onset distal hereditary motor neuropathy. Identifiers: Orphanet 314485, Orphanet 443950, MedGen C4749918, MONDO:0013947, OMIM 614881.

Allele frequency attached by ClinVar (database versions not stated): TOPMed below 0.00001; ExAC 0.00001; gnomAD exomes 0.00001.

Submission:

Labcorp Genetics (formerly Invitae), Labcorp
Classification: Uncertain significance for Neuronopathy, distal hereditary motor, autosomal recessive 5. Last evaluated: 2025-07-14. Review status: criteria provided, single submitter. Criteria: Invitae Variant Classification Sherloc (09022015). Collection method: clinical testing. Allele origin: germline.
Comment: This sequence change replaces arginine, which is basic and polar, with glutamine, which is neutral and polar, at codon 129 of the DNAJB2 protein (p.Arg129Gln). This variant is not present in population databases (gnomAD no frequency). This variant has not been reported in the literature in individuals affected with DNAJB2-related conditions. ClinVar contains an entry for this variant (Variation ID: 567772). Invitae Evidence Modeling of protein sequence and biophysical properties (such as structural, functional, and spatial information, amino acid conservation, physicochemical variation, residue mobility, and thermodynamic stability) indicates that this missense variant is not expected to disrupt DNAJB2 protein function with a negative predictive value of 80%. In summary, the available evidence is currently insufficient to determine the role of this variant in disease. Therefore, it has been classified as a Variant of Uncertain Significance.

NM_006736.6(DNAJB2):c.386G>A (p.Arg129Gln)

Gene: DNAJB2 (DnaJ heat shock protein family (Hsp40) member B2; plus strand). Cytogenetic location: 2q35.
Variant type: single nucleotide variant.
Coding change: c.386G>A on transcript NM_006736.6 (MANE Select); coding-DNA position 386, G replaced by A.
Protein change: p.Arg129Gln; replaces arginine 129 with glutamine.
Molecular consequence: missense variant.
Genome position (GRCh38, 1-based): chr2:219,282,870, G>A. VCF-style: chr2-219282870-G-A. GRCh37 (hg19) VCF-style: chr2-220147592-G-A.
Other names: c.386G>A, p.Arg129Gln (NM_001039550.2); short protein forms R129Q.
Identifiers: ClinVar variation 567772 (VCV000567772.7), dbSNP rs778575500, ClinGen allele CA2122961.